The following is an entry in ClinVar:

ClinVar aggregate classification (germline): Uncertain significance (1 of 4 stars; one submission).

Allele frequency attached by ClinVar (database versions not stated): gnomAD exomes below 0.00001.
gnomAD v4.1: 2 of 1,614,190 alleles (0.00012%); highest among the groups gnomAD compares: Non-Finnish European, 0.00017%; no homozygotes.

Submission:

Labcorp Genetics (formerly Invitae), Labcorp
Classification: Uncertain significance. Last evaluated: 2022-05-20. Review status: criteria provided, single submitter. Criteria: Invitae Variant Classification Sherloc (09022015). Collection method: clinical testing. Allele origin: germline.
Comment: This sequence change replaces glutamine, which is neutral and polar, with arginine, which is basic and polar, at codon 2765 of the SZT2 protein (p.Gln2765Arg). In summary, the available evidence is currently insufficient to determine the role of this variant in disease. Therefore, it has been classified as a Variant of Uncertain Significance. Algorithms developed to predict the effect of missense changes on protein structure and function are either unavailable or do not agree on the potential impact of this missense change (SIFT: "Tolerated"; PolyPhen-2: "Probably Damaging"; Align-GVGD: "Class C0"). This variant has not been reported in the literature in individuals affected with SZT2-related conditions. This variant is not present in population databases (gnomAD no frequency).

NM_001365999.1(SZT2):c.8465A>G (p.Gln2822Arg)

Gene: SZT2 (SZT2 subunit of KICSTOR complex; plus strand). Cytogenetic location: 1p34.2.
Variant type: single nucleotide variant.
Coding change: c.8465A>G on transcript NM_001365999.1 (MANE Select); coding-DNA position 8465, A replaced by G.
Protein change: p.Gln2822Arg; replaces glutamine 2822 with arginine.
Molecular consequence: missense variant.
Genome position (GRCh38, 1-based): chr1:43,443,233, A>G. VCF-style: chr1-43443233-A-G. GRCh37 (hg19) VCF-style: chr1-43908904-A-G.
Other names: c.8294A>G, p.Gln2765Arg (NM_015284.4); short protein forms Q2765R, Q2822R.
Identifiers: ClinVar variation 1996856 (VCV001996856.4), dbSNP rs2545855894, ClinGen allele CA340039225.